The following is an entry in ClinVar:

NM_000051.4(ATM):c.8015A>G (p.Asp2672Gly)

Genes: ATM (ATM serine/threonine kinase; plus strand), C11orf65 (chromosome 11 open reading frame 65; minus strand). Cytogenetic location: 11q22.3.
Variant type: single nucleotide variant.
Coding change: c.8015A>G on transcript NM_000051.4 (MANE Select); coding-DNA position 8015, A replaced by G.
Protein change: p.Asp2672Gly; replaces aspartic acid 2672 with glycine.
Molecular consequence: missense variant. On other transcripts: intron variant (2).
Genome position (GRCh38, 1-based): chr11:108,334,973, A>G. VCF-style: chr11-108334973-A-G. GRCh37 (hg19) VCF-style: chr11-108205700-A-G.
Other names: c.8015A>G, p.Asp2672Gly (NM_001351834.2); c.641-25902T>C (NM_001330368.2); c.*38+247T>C (NM_001351110.2); short protein forms D2672G.
Identifiers: ClinVar variation 650399 (VCV000650399.9), dbSNP rs763161651, ClinGen allele CA382561843.
Genomic context (GRCh38, chr11:108,334,973, plus strand): 5'-TTTAAGTGCAAATAGTGTATCTGACCTATTATCAATCATGTTTATACTTTTATTAGGTGG[A>G]CCACACAGGAGAATATGGAAATCTGGTGACTATACAGTCATTTAAAGCAGAATTTCGCTT-3'
Protein context (NP_000042.3, residues 2662-2682): VVVPTMEIKV[Asp2672Gly]HTGEYGNLVT

ClinVar aggregate classification (germline): Uncertain significance (1 of 4 stars; one submission).

Conditions:
Ataxia-telangiectasia syndrome (AT). Also called: Ataxia-telangiectasia, complementation group D; AT, COMPLEMENTATION GROUP C; ATAXIA-TELANGIECTASIA, COMPLEMENTATION GROUP A; ATAXIA-TELANGIECTASIA, FRESNO VARIANT; Ataxia-telangiectasia; LOUIS-BAR SYNDROME. Identifiers: Orphanet 100, MedGen C0004135, MONDO:0008840, OMIM 208900.

Submission:

Labcorp Genetics (formerly Invitae), Labcorp
Classification: Uncertain significance for Ataxia-telangiectasia syndrome. Last evaluated: 2024-04-05. Review status: criteria provided, single submitter. Criteria: Invitae Variant Classification Sherloc (09022015). Collection method: clinical testing. Allele origin: germline.
Comment: This sequence change replaces aspartic acid, which is acidic and polar, with glycine, which is neutral and non-polar, at codon 2672 of the ATM protein (p.Asp2672Gly). This variant is not present in population databases (gnomAD no frequency). This variant has not been reported in the literature in individuals affected with ATM-related conditions. ClinVar contains an entry for this variant (Variation ID: 650399). An algorithm developed to predict the effect of missense changes on protein structure and function (PolyPhen-2) suggests that this variant is likely to be disruptive. In summary, the available evidence is currently insufficient to determine the role of this variant in disease. Therefore, it has been classified as a Variant of Uncertain Significance.